The following is an entry in ClinVar:

ClinVar aggregate classification (germline): Pathogenic (1 of 4 stars; one submission).

Conditions:
Sulfite oxidase deficiency. Also called: Isolated sulfite oxidase deficiency. Identifiers: Orphanet 833, Orphanet 99731, MedGen C0268624, MONDO:0010089, OMIM 272300, HP:0003643.

Submission:

Labcorp Genetics (formerly Invitae), Labcorp
Classification: Pathogenic for Sulfite oxidase deficiency. Last evaluated: 2023-06-17. Review status: criteria provided, single submitter. Criteria: Invitae Variant Classification Sherloc (09022015). Collection method: clinical testing. Allele origin: germline.
Comment: For these reasons, this variant has been classified as Pathogenic. This variant disrupts a region of the SUOX protein in which other variant(s) (p.Arg529*) have been determined to be pathogenic (PMID: 17940249, 28980090). This suggests that this is a clinically significant region of the protein, and that variants that disrupt it are likely to be disease-causing. This variant has not been reported in the literature in individuals affected with SUOX-related conditions. This variant is not present in population databases (gnomAD no frequency). This sequence change creates a premature translational stop signal (p.Tyr70Leufs*7) in the SUOX gene. While this is not anticipated to result in nonsense mediated decay, it is expected to disrupt the last 476 amino acid(s) of the SUOX protein.

Literature cited by the submitters: PubMed 17940249; PubMed 28980090.

NM_001032386.2(SUOX):c.207dup (p.Tyr70fs)

Gene: SUOX (sulfite oxidase; plus strand). Cytogenetic location: 12q13.2.
Variant type: Duplication.
Coding change: c.207dup on transcript NM_001032386.2 (MANE Select); coding-DNA position 207, one base duplicated (C; older notation c.207dupC).
Protein change: p.Tyr70fs; shifts the reading frame from tyrosine 70.
Molecular consequence: frameshift variant.
Genome position (GRCh38, 1-based): chr12:56,002,699, C duplicated; the last of 2 consecutive C bases (chr12:56,002,698-56,002,699); duplicating either gives the same sequence. VCF-style (leftmost placement, unchanged base first): chr12-56002697-G-GC. GRCh37 (hg19) VCF-style: chr12-56396481-G-GC.
Other names: c.207dup, p.Tyr70fs (NM_000456.3, NM_001032387.2); short protein forms Y70fs.
Identifiers: ClinVar variation 2718184 (VCV002718184.3), dbSNP rs1890579284, ClinGen allele CA947976231.